The following is an entry in ClinVar:

NM_152296.5(ATP1A3):c.992C>T (p.Thr331Ile)

Gene: ATP1A3 (ATPase Na+/K+ transporting subunit alpha 3; minus strand). Cytogenetic location: 19q13.2.
Variant type: single nucleotide variant.
Coding change: c.992C>T on transcript NM_152296.5 (MANE Select); coding-DNA position 992, C replaced by T.
Protein change: p.Thr331Ile; replaces threonine 331 with isoleucine.
Molecular consequence: missense variant.
Genome position (GRCh38, 1-based): chr19:41,984,919, G>A on the plus strand (C>T on the coding strand, the complement: ATP1A3 is on the minus strand). VCF-style: chr19-41984919-G-A. GRCh37 (hg19) VCF-style: chr19-42489071-G-A.
Other names: c.1025C>T, p.Thr342Ile (NM_001256213.2); c.1031C>T, p.Thr344Ile (NM_001256214.2); short protein forms T331I, T342I, T344I.
Identifiers: ClinVar variation 1020584 (VCV001020584.8), dbSNP rs2075272037, ClinGen allele CA406052041.

ClinVar aggregate classification (germline): Uncertain significance (1 of 4 stars; one submission).

Conditions:
Dystonia 12 (DYT12). Also called: DYT-ATP1A3; Rapid-Onset Dystonia-Parkinsonism (RDP). Identifiers: Orphanet 71517, MedGen C1868681, MONDO:0007496, OMIM 128235.

Submission:

Labcorp Genetics (formerly Invitae), Labcorp
Classification: Uncertain significance for Dystonia 12. Last evaluated: 2020-07-24. Review status: criteria provided, single submitter. Criteria: Invitae Variant Classification Sherloc (09022015). Collection method: clinical testing. Allele origin: germline.
Comment: This sequence change replaces threonine with isoleucine at codon 331 of the ATP1A3 protein (p.Thr331Ile). The threonine residue is highly conserved and there is a moderate physicochemical difference between threonine and isoleucine. This variant is not present in population databases (ExAC no frequency). This variant has not been reported in the literature in individuals with ATP1A3-related conditions. Algorithms developed to predict the effect of missense changes on protein structure and function are either unavailable or do not agree on the potential impact of this missense change (SIFT: "Deleterious"; PolyPhen-2: "Probably Damaging"; Align-GVGD: "Class C0"). In summary, the available evidence is currently insufficient to determine the role of this variant in disease. Therefore, it has been classified as a Variant of Uncertain Significance.